The following is an entry in ClinVar:

NM_000222.3(KIT):c.1990+8C>T

Gene: KIT (KIT proto-oncogene, receptor tyrosine kinase; plus strand). Cytogenetic location: 4q12.
Variant type: single nucleotide variant.
Coding change: c.1990+8C>T on transcript NM_000222.3 (MANE Select); 8 bases into the intron after coding-DNA position 1990, C replaced by T.
Molecular consequence: intron variant.
Genome position (GRCh38, 1-based): chr4:54,728,129, C>T. VCF-style: chr4-54728129-C-T. GRCh37 (hg19) VCF-style: chr4-55594295-C-T.
Other names: c.1993+8C>T (NM_001385284.1, NM_001385290.1); c.1981+8C>T (NM_001385288.1, NM_001385292.1); c.1990+8C>T (NM_001385285.1); c.1978+8C>T (NM_001093772.2, NM_001385286.1).
Identifiers: ClinVar variation 415791 (VCV000415791.15), dbSNP rs377493174, ClinGen allele CA2923619.

ClinVar aggregate classification (germline): Benign/Likely benign. Review status: criteria provided, multiple submitters, no conflicts (2 of 4 stars). 4 submissions from 4 submitters: Benign (1); Likely benign (3). Last evaluated 2026-06-04.

Conditions:
KIT-related familial gastro-intestinal stromal tumours.
KIT-related disorder. Also called: KIT-related condition.
Gastrointestinal stromal tumor. Also called: Gastrointestinal stroma tumor; Gastrointestinal stromal tumor, somatic. Identifiers: Orphanet 44890, MedGen C0238198, MeSH D046152, MONDO:0011719, OMIM 606764, HP:0100723.

Allele frequency attached by ClinVar (database versions not stated): gnomAD 0.00001; gnomAD exomes 0.00002 and 0.00003; ExAC 0.00003; TOPMed 0.00003; ESP Exome Variant Server 0.00015.
gnomAD v4.1: 28 of 1,574,512 alleles (0.0018%); highest among the groups gnomAD compares: South Asian, 0.0089%; 1 homozygote.

Submissions (4):

Myriad Genetics, Inc.
Classification: Benign for Gastrointestinal stromal tumor. Last evaluated: 2026-06-04. Review status: criteria provided, single submitter. Criteria: Myriad Autosomal Dominant, Autosomal Recessive and X-Linked Classification Criteria (2023). Collection method: clinical testing. Allele origin: unknown.
Comment: This variant is considered benign. This variant is intronic and is not expected to impact mRNA splicing. This variant has been observed at a population frequency that is significantly greater than expected given the associated disease prevalence and penetrance.

Dasa
Classification: Likely benign for KIT-related familial gastro-intestinal stromal tumours. Last evaluated: 2026-03-30. Review status: criteria provided, single submitter. Criteria: DASA Assertion Criteria. Collection method: clinical testing. Allele origin: germline.
Comment: NM_000222.3(KIT):c.1990+8C>T is a splice-region variant. Observations in unaffected individuals support a benign interpretation. Computational prediction algorithms are consistent with a benign effect. Therefore, based on the currently available evidence, this variant is classified as likely benign.

Labcorp Genetics (formerly Invitae), Labcorp
Classification: Likely benign for Gastrointestinal stromal tumor. Last evaluated: 2025-12-30. Review status: criteria provided, single submitter. Criteria: Invitae Variant Classification Sherloc (09022015). Collection method: clinical testing. Allele origin: germline.

PreventionGenetics, part of Exact Sciences
Classification: Likely benign for KIT-related condition. Last evaluated: 2025-10-07. Review status: criteria provided, single submitter. Criteria: ACMG Guidelines, 2015. Collection method: clinical testing. Allele origin: germline.
Comment: This variant is classified as likely benign based on ACMG/AMP sequence variant interpretation guidelines (Richards et al. 2015 PMID: 25741868, with internal and published modifications).